The following is an entry in ClinVar:

NM_057175.5(NAA15):c.1841del (p.Asn614fs)

Gene: NAA15 (N-alpha-acetyltransferase 15, NatA auxiliary subunit; plus strand). Cytogenetic location: 4q31.1.
Variant type: Deletion.
Coding change: c.1841del on transcript NM_057175.5 (MANE Select); coding-DNA position 1841, one base deleted (A; older notation c.1841delA).
Protein change: p.Asn614fs; shifts the reading frame from asparagine 614.
Molecular consequence: frameshift variant.
Genome position (GRCh38, 1-based): chr4:139,370,298, A deleted; the last of 8 consecutive A bases (chr4:139,370,291-139,370,298); deleting any one gives the same sequence. VCF-style (leftmost placement, unchanged base first): chr4-139370290-GA-G. GRCh37 (hg19) VCF-style: chr4-140291444-GA-G.
Other names: c.1841del (NM_057175.3); c.1841del, p.Asn614fs (NM_001410842.1); c.*250delA (NM_025085.2); short protein forms N614fs.
Identifiers: ClinVar variation 2627823 (VCV002627823.10), dbSNP rs1283385686, ClinGen allele CA441384301.

ClinVar aggregate classification (germline): Pathogenic/Likely pathogenic. Review status: criteria provided, multiple submitters, no conflicts (2 of 4 stars). 3 submissions from 3 submitters: Pathogenic (1); Likely pathogenic (2). Last evaluated 2026-03-17.

Conditions:
Neurodevelopmental disorder. Identifiers: MedGen C1535926, MeSH D065886, MONDO:0700092.

Submissions (3):

GeneDx
Classification: Pathogenic. Last evaluated: 2026-03-17. Review status: criteria provided, single submitter. Criteria: GeneDx Variant Classification Process June 2021. Collection method: clinical testing. Allele origin: germline.
Comment: Reported previously in a patient from a large autism cohort; however, no specific clinical information was provided (PMID: 38958063); Frameshift variant predicted to result in protein truncation or nonsense mediated decay in a gene for which loss of function is a known mechanism of disease; This variant is associated with the following publications: (PMID: 38958063, 29656860)

CeGaT Center for Human Genetics Tuebingen
Classification: Likely pathogenic. Last evaluated: 2026-03-01. Review status: criteria provided, single submitter. Criteria: CeGaT Center For Human Genetics Tuebingen Variant Classification Criteria Version 2. Collection method: clinical testing. Allele origin: germline. Affected: yes. Observed: 1 variant allele.
Comment: NAA15: PVS1, PS2:Supporting

Laboratory of Molecular Genetics (Pr. Bezieau's lab), CHU de Nantes
Classification: Likely pathogenic for Neurodevelopmental disorder. Last evaluated: 2022-09-14. Review status: criteria provided, single submitter. Criteria: ACMG Guidelines, 2015. Collection method: clinical testing. Allele origin: germline. Affected: yes.